The following is an entry in ClinVar:

ClinVar aggregate classification (germline): Benign. Review status: criteria provided, multiple submitters, no conflicts (2 of 4 stars). 3 submissions from 3 submitters: Benign (2). 1 of the submissions does not count toward it. Last evaluated 2018-08-14.

Conditions:
MUC16-related disorder. Also called: MUC16-related condition.

Allele frequency attached by ClinVar (database versions not stated): 1000 Genomes Project 0.01837; 1000 Genomes Project 30x 0.01889; gnomAD 0.01671 and 0.01774; TOPMed 0.01847; ExAC 0.00532; ESP Exome Variant Server 0.01829.

Submissions (3):

Labcorp Genetics (formerly Invitae), Labcorp
Classification: Benign. Last evaluated: 2018-08-14. Review status: criteria provided, single submitter. Criteria: Invitae Variant Classification Sherloc (09022015). Collection method: clinical testing. Allele origin: germline.

Breakthrough Genomics
Classification: Benign. Review status: criteria provided, single submitter. Criteria: ACMG Guidelines, 2015. Collection method: not provided. Allele origin: germline. Inheritance: Unknown mechanism. Affected: yes.

PreventionGenetics, part of Exact Sciences
Classification: Benign for MUC16-related condition. Last evaluated: 2019-03-25. Review status: no assertion criteria provided. Collection method: clinical testing. Allele origin: germline. Not counted in ClinVar's aggregate classification.
Comment: This variant is classified as benign based on ACMG/AMP sequence variant interpretation guidelines (Richards et al. 2015 PMID: 25741868, with internal and published modifications).

NM_001401501.2(MUC16):c.32429C>T (p.Thr10810Ile)

Gene: MUC16 (mucin 16, cell surface associated; minus strand). Cytogenetic location: 19p13.2.
Variant type: single nucleotide variant.
Coding change: c.32429C>T on transcript NM_001401501.2 (MANE Select); coding-DNA position 32429, C replaced by T.
Protein change: p.Thr10810Ile; replaces threonine 10810 with isoleucine.
Molecular consequence: missense variant.
Genome position (GRCh38, 1-based): chr19:8,938,646, G>A on the plus strand (C>T on the coding strand, the complement: MUC16 is on the minus strand). VCF-style: chr19-8938646-G-A. GRCh37 (hg19) VCF-style: chr19-9049322-G-A.
Other names: c.32855C>T, p.Thr10952Ile (NM_001414686.1); c.32309C>T, p.Thr10770Ile (NM_001414687.1, NM_024690.2); short protein forms T10770I, T10810I, T10952I.
Identifiers: ClinVar variation 780174 (VCV000780174.6), dbSNP rs61738391, ClinGen allele CA9166676.
Genomic context (GRCh38, chr19:8,938,646, plus strand): 5'-GATACAGCAGGCGAGATAGTTGAAGTTGGAATGGCCGAACTTGTCTGTGCTTCAGGATGG[G>A]TGACTAATGAGGCTATCGTCTTTGGTTCACCAGGAGAAAGAGTCAAAGTTGGAATAGTCA-3'
Protein context (NP_001388430.1, residues 10800-10820): GEPKTIASLV[Thr10810Ile]HPEAQTSSAI